The following is an entry in ClinVar:

ClinVar aggregate classification (germline): Uncertain significance (1 of 4 stars; one submission).

Conditions:
Gorlin syndrome. Also called: Nevoid Basal Cell Carcinoma Syndrome; Basal cell nevus syndrome. Identifiers: Orphanet 377, MedGen C0004779, MONDO:0007187.

Submission:

Labcorp Genetics (formerly Invitae), Labcorp
Classification: Uncertain significance for Gorlin syndrome. Last evaluated: 2021-02-22. Review status: criteria provided, single submitter. Criteria: Invitae Variant Classification Sherloc (09022015). Collection method: clinical testing. Allele origin: germline.
Comment: This sequence change replaces arginine with leucine at codon 120 of the PTCH2 protein (p.Arg120Leu). The arginine residue is moderately conserved and there is a moderate physicochemical difference between arginine and leucine. This variant is not present in population databases (ExAC no frequency). This variant has not been reported in the literature in individuals with PTCH2-related conditions. Algorithms developed to predict the effect of missense changes on protein structure and function (SIFT, PolyPhen-2, Align-GVGD) all suggest that this variant is likely to be tolerated, but these predictions have not been confirmed by published functional studies and their clinical significance is uncertain. In summary, the available evidence is currently insufficient to determine the role of this variant in disease. Therefore, it has been classified as a Variant of Uncertain Significance.

NM_003738.5(PTCH2):c.359G>T (p.Arg120Leu)

Gene: PTCH2 (patched 2; minus strand). Cytogenetic location: 1p34.1.
Variant type: single nucleotide variant.
Coding change: c.359G>T on transcript NM_003738.5 (MANE Select); coding-DNA position 359, G replaced by T.
Protein change: p.Arg120Leu; replaces arginine 120 with leucine.
Molecular consequence: missense variant.
Genome position (GRCh38, 1-based): chr1:44,832,248, C>A on the plus strand (G>T on the coding strand, the complement: PTCH2 is on the minus strand). VCF-style: chr1-44832248-C-A. GRCh37 (hg19) VCF-style: chr1-45297920-C-A.
Other names: c.359G>T, p.Arg120Leu (NM_001166292.2); short protein forms R120L.
Identifiers: ClinVar variation 1491154 (VCV001491154.8), dbSNP rs200617096, ClinGen allele CA340109366.